The following is an entry in ClinVar:

NM_001365276.2(TNXB):c.4762A>G (p.Ile1588Val)

Gene: TNXB (tenascin XB; minus strand). Cytogenetic location: 6p21.33.
Variant type: single nucleotide variant.
Coding change: c.4762A>G on transcript NM_001365276.2 (MANE Select); coding-DNA position 4762, A replaced by G.
Protein change: p.Ile1588Val; replaces isoleucine 1588 with valine.
Molecular consequence: missense variant.
Genome position (GRCh38, 1-based): chr6:32,072,218, T>C on the plus strand (A>G on the coding strand, the complement: TNXB is on the minus strand). VCF-style: chr6-32072218-T-C. GRCh37 (hg19) VCF-style: chr6-32039995-T-C.
Other names: c.4762A>G, p.Ile1588Val (NM_019105.8); short protein forms I1588V.
Identifiers: ClinVar variation 1214153 (VCV001214153.37), dbSNP rs569747700, ClinGen allele CA3734882.

ClinVar aggregate classification (germline): Benign/Likely benign. Review status: criteria provided, multiple submitters, no conflicts (2 of 4 stars). 6 submissions from 6 submitters: Benign (1); Likely benign (5). Last evaluated 2026-05-01.

Conditions:
Cardiovascular phenotype. Identifiers: MedGen CN230736.

Allele frequency attached by ClinVar (database versions not stated): gnomAD 0.00001 and 0.00014; TOPMed 0.00004; gnomAD exomes 0.00033 and 0.00062; 1000 Genomes Project 0.00080; ExAC 0.00080; 1000 Genomes Project 30x 0.00125.

Submissions (6):

CeGaT Center for Human Genetics Tuebingen
Classification: Likely benign. Last evaluated: 2026-05-01. Review status: criteria provided, single submitter. Criteria: CeGaT Center For Human Genetics Tuebingen Variant Classification Criteria Version 2. Collection method: clinical testing. Allele origin: germline. Affected: yes. Observed: 2 variant alleles.
Comment: TNXB: BP4, BS2

Labcorp Genetics (formerly Invitae), Labcorp
Classification: Benign. Last evaluated: 2026-01-17. Review status: criteria provided, single submitter. Criteria: Invitae Variant Classification Sherloc (09022015). Collection method: clinical testing. Allele origin: germline.

Ambry Genetics
Classification: Likely benign for Cardiovascular phenotype. Last evaluated: 2024-05-30. Review status: criteria provided, single submitter. Criteria: Ambry Variant Classification Scheme 2023. Collection method: clinical testing. Allele origin: germline.

Blueprint Genetics
Classification: Likely benign. Last evaluated: 2023-10-04. Review status: criteria provided, single submitter. Criteria: ACMG Guidelines, 2015. Collection method: clinical testing. Allele origin: germline.

GeneDx
Classification: Likely benign. Last evaluated: 2023-07-01. Review status: criteria provided, single submitter. Criteria: GeneDx Variant Classification Process June 2021. Collection method: clinical testing. Allele origin: germline. Affected: yes.
Comment: See Variant Classification Assertion Criteria.

Breakthrough Genomics
Classification: Likely benign. Review status: criteria provided, single submitter. Criteria: ACMG Guidelines, 2015. Collection method: not provided. Allele origin: germline. Inheritance: Autosomal recessive inheritance. Affected: yes.